The following is an entry in ClinVar:

ClinVar aggregate classification (germline): Uncertain significance (1 of 4 stars; one submission).

Conditions:
Hereditary cancer-predisposing syndrome. Also called: Neoplastic Syndromes, Hereditary; Tumor predisposition; Hereditary neoplastic syndrome; Hereditary Cancer Syndrome. Identifiers: Orphanet 140162, MedGen C0027672, MeSH D009386, MONDO:0015356.

Submission:

Ambry Genetics
Classification: Uncertain significance for Hereditary cancer-predisposing syndrome. Last evaluated: 2026-07-22. Review status: criteria provided, single submitter. Criteria: Ambry Variant Classification Scheme 2023. Collection method: clinical testing. Allele origin: germline.
Comment: The p.P411A variant (also known as c.1231C>G), located in coding exon 13 of the RB1 gene, results from a C to G substitution at nucleotide position 1231. The proline at codon 411 is replaced by alanine, an amino acid with highly similar properties. This amino acid position is conserved. In addition, this alteration is predicted to be deleterious by in silico analysis. Based on the available evidence, the clinical significance of this variant remains unclear.

NM_000321.3(RB1):c.1231C>G (p.Pro411Ala)

Gene: RB1 (RB transcriptional corepressor 1; plus strand). Cytogenetic location: 13q14.2.
Variant type: single nucleotide variant.
Coding change: c.1231C>G on transcript NM_000321.3 (MANE Select); coding-DNA position 1231, C replaced by G.
Protein change: p.Pro411Ala; replaces proline 411 with alanine.
Molecular consequence: missense variant.
Genome position (GRCh38, 1-based): chr13:48,376,933, C>G. VCF-style: chr13-48376933-C-G. GRCh37 (hg19) VCF-style: chr13-48951069-C-G.
Other names: c.1231C>G, p.Pro411Ala (NM_001407165.1, NM_001407166.1); short protein forms P411A.
Identifiers: ClinVar variation 5027969 (VCV005027969.1).